The following is an entry in ClinVar:

NM_152564.5(VPS13B):c.1483dup (p.Thr495fs)

Gene: VPS13B (vacuolar protein sorting 13 homolog B; plus strand). Cytogenetic location: 8q22.2.
Variant type: Duplication.
Coding change: c.1483dup on transcript NM_152564.5 (MANE Select); coding-DNA position 1483, one base duplicated (A; older notation c.1483dupA).
Protein change: p.Thr495fs; shifts the reading frame from threonine 495.
Molecular consequence: frameshift variant.
Genome position (GRCh38, 1-based): chr8:99,135,653, A duplicated. VCF-style (leftmost placement, unchanged base first): chr8-99135652-T-TA. GRCh37 (hg19) VCF-style: chr8-100147880-T-TA.
Other names: c.1483dup, p.Thr495fs (NM_015243.3, NM_017890.5); short protein forms T495fs.
Identifiers: ClinVar variation 2866643 (VCV002866643.3), dbSNP rs2488762701, ClinGen allele CA2739268903.

ClinVar aggregate classification (germline): Pathogenic (1 of 4 stars; one submission).

Conditions:
Cohen syndrome (COH1). Also called: Cutis verticis gyrata, retinitis pigmentosa, and sensorineural deafness; PEPPER SYNDROME. Identifiers: Orphanet 193, MedGen C0265223, MONDO:0008999, OMIM 216550.

Submission:

Labcorp Genetics (formerly Invitae), Labcorp
Classification: Pathogenic for Cohen syndrome. Last evaluated: 2023-05-21. Review status: criteria provided, single submitter. Criteria: Invitae Variant Classification Sherloc (09022015). Collection method: clinical testing. Allele origin: germline.
Comment: For these reasons, this variant has been classified as Pathogenic. This variant has not been reported in the literature in individuals affected with VPS13B-related conditions. This variant is not present in population databases (gnomAD no frequency). This sequence change creates a premature translational stop signal (p.Thr495Asnfs*6) in the VPS13B gene. It is expected to result in an absent or disrupted protein product. Loss-of-function variants in VPS13B are known to be pathogenic (PMID: 15141358, 16648375, 20461111).

Literature cited by the submitters: PubMed 15141358; PubMed 16648375; PubMed 20461111.